The following is an entry in ClinVar:

ClinVar aggregate classification (germline): Uncertain significance. Review status: criteria provided, multiple submitters, no conflicts (2 of 4 stars). 2 submissions from 2 submitters: Uncertain significance (2). Last evaluated 2024-11-22.

Conditions:
Inborn genetic diseases. Identifiers: MedGen C0950123, MeSH D030342.
Spastic paraplegia. Identifiers: MedGen C0037772, HP:0001258.

Allele frequency attached by ClinVar (database versions not stated): ExAC 0.00007; gnomAD 0.00011; TOPMed 0.00014.
gnomAD v4.1: 22 of 1,548,696 alleles (0.0014%); highest among the groups gnomAD compares: African/African-American, 0.027%; no homozygotes.

Submissions (2):

Ambry Genetics
Classification: Uncertain significance for Inborn genetic diseases. Last evaluated: 2024-11-22. Review status: criteria provided, single submitter. Criteria: Ambry Variant Classification Scheme 2023. Collection method: clinical testing. Allele origin: germline.

Labcorp Genetics (formerly Invitae), Labcorp
Classification: Uncertain significance for Spastic paraplegia. Last evaluated: 2022-08-06. Review status: criteria provided, single submitter. Criteria: Invitae Variant Classification Sherloc (09022015). Collection method: clinical testing. Allele origin: germline.
Comment: This sequence change replaces proline, which is neutral and non-polar, with alanine, which is neutral and non-polar, at codon 79 of the CYP2U1 protein (p.Pro79Ala). This variant is present in population databases (rs768868832, gnomAD 0.05%). This variant has not been reported in the literature in individuals affected with CYP2U1-related conditions. ClinVar contains an entry for this variant (Variation ID: 1006164). Advanced modeling of protein sequence and biophysical properties (such as structural, functional, and spatial information, amino acid conservation, physicochemical variation, residue mobility, and thermodynamic stability) performed at Invitae indicates that this missense variant is not expected to disrupt CYP2U1 protein function. In summary, the available evidence is currently insufficient to determine the role of this variant in disease. Therefore, it has been classified as a Variant of Uncertain Significance.

NM_183075.3(CYP2U1):c.235C>G (p.Pro79Ala)

Genes: CYP2U1 (cytochrome P450 family 2 subfamily U member 1; plus strand), CYP2U1-AS1 (CYP2U1 and SGMS2 antisense RNA 1; minus strand). Cytogenetic location: 4q25.
Variant type: single nucleotide variant.
Coding change: c.235C>G on transcript NM_183075.3 (MANE Select); coding-DNA position 235, C replaced by G.
Protein change: p.Pro79Ala; replaces proline 79 with alanine.
Molecular consequence: missense variant.
Genome position (GRCh38, 1-based): chr4:107,931,878, C>G. VCF-style: chr4-107931878-C-G. GRCh37 (hg19) VCF-style: chr4-108853034-C-G.
Other names: c.235C>G (NM_183075.2); short protein forms P79A.
Identifiers: ClinVar variation 1006164 (VCV001006164.5), dbSNP rs768868832, ClinGen allele CA3036966.